The following is an entry in ClinVar:

NM_019842.4(KCNQ5):c.715A>C (p.Ile239Leu)

Gene: KCNQ5 (potassium voltage-gated channel subfamily Q member 5; plus strand). Cytogenetic location: 6q13.
Variant type: single nucleotide variant.
Coding change: c.715A>C on transcript NM_019842.4 (MANE Select); coding-DNA position 715, A replaced by C.
Protein change: p.Ile239Leu; replaces isoleucine 239 with leucine.
Molecular consequence: missense variant.
Genome position (GRCh38, 1-based): chr6:73,077,420, A>C. VCF-style: chr6-73077420-A-C. GRCh37 (hg19) VCF-style: chr6-73787143-A-C.
Other names: c.715A>C, p.Ile239Leu (NM_001160130.2, NM_001160132.2, NM_001160133.2 and 1 more transcripts); short protein forms I239L.
Identifiers: ClinVar variation 4742108 (VCV004742108.1).

ClinVar aggregate classification (germline): Uncertain significance (1 of 4 stars; one submission).

Submission:

Labcorp Genetics (formerly Invitae), Labcorp
Classification: Uncertain significance. Last evaluated: 2025-06-17. Review status: criteria provided, single submitter. Criteria: Invitae Variant Classification Sherloc (09022015). Collection method: clinical testing. Allele origin: germline.
Comment: This sequence change replaces isoleucine, which is neutral and non-polar, with leucine, which is neutral and non-polar, at codon 239 of the KCNQ5 protein (p.Ile239Leu). This variant is not present in population databases (gnomAD no frequency). This variant has not been reported in the literature in individuals affected with KCNQ5-related conditions. Invitae Evidence Modeling of protein sequence and biophysical properties (such as structural, functional, and spatial information, amino acid conservation, physicochemical variation, residue mobility, and thermodynamic stability) indicates that this missense variant is not expected to disrupt KCNQ5 protein function with a negative predictive value of 80%. In summary, the available evidence is currently insufficient to determine the role of this variant in disease. Therefore, it has been classified as a Variant of Uncertain Significance.